The following is an entry in ClinVar:

NM_003331.5(TYK2):c.2312-4C>G

Gene: TYK2 (tyrosine kinase 2; minus strand). Cytogenetic location: 19p13.2.
Variant type: single nucleotide variant.
Coding change: c.2312-4C>G on transcript NM_003331.5 (MANE Select); 4 bases into the intron before coding-DNA position 2312, C replaced by G.
Molecular consequence: intron variant.
Genome position (GRCh38, 1-based): chr19:10,357,922, G>C on the plus strand (C>G on the coding strand, the complement: TYK2 is on the minus strand). VCF-style: chr19-10357922-G-C. GRCh37 (hg19) VCF-style: chr19-10468598-G-C.
Other names: c.2312-4C>G (LRG_121t1).
Identifiers: ClinVar variation 386946 (VCV000386946.1), dbSNP rs1057522650, ClinGen allele CA16607981.
Genomic context (GRCh38, chr19:10,357,922, plus strand): 5'-TGTTGGCCCCACCTGGTAGGCATTCGGGGGCCAGCCAGGGGATCCTCTCCACCCGCTCTG[G>C]GAGGCCAAGGTCAGAGGTCACCAAGGGTGAAAGGAGCAGGGGAAGCCCCCCACTGTGCCC-3'

ClinVar aggregate classification (germline): Likely benign (1 of 4 stars; one submission).

Submission:

GeneDx
Classification: Likely benign. Last evaluated: 2016-06-14. Review status: criteria provided, single submitter. Criteria: GeneDx Variant Classification (06012015). Collection method: clinical testing. Allele origin: germline. Affected: yes.
Comment: This variant is considered likely benign or benign based on one or more of the following criteria: it is a conservative change, it occurs at a poorly conserved position in the protein, it is predicted to be benign by multiple in silico algorithms, and/or has population frequency not consistent with disease.